The following is an entry in ClinVar:

NM_014361.4(CNTN5):c.277+10A>G

Gene: CNTN5 (contactin 5; plus strand). Cytogenetic location: 11q22.1.
Variant type: single nucleotide variant.
Coding change: c.277+10A>G on transcript NM_014361.4 (MANE Select); 10 bases into the intron after coding-DNA position 277, A replaced by G.
Molecular consequence: intron variant.
Genome position (GRCh38, 1-based): chr11:99,819,775, A>G. VCF-style: chr11-99819775-A-G. GRCh37 (hg19) VCF-style: chr11-99690506-A-G.
Other names: c.277+10A>G (NM_001243270.2, NM_001243271.2); c.56-25077A>G (NM_175566.2).
Identifiers: ClinVar variation 3054065 (VCV003054065.2), dbSNP rs201079661, ClinGen allele CA6241987.
Genomic context (GRCh38, chr11:99,819,775, plus strand): 5'-ATTATTCCCCCATCAATCTTTATCATTCCTCAGATGCCTTCAAACAAGATGGTAAGTGTC[A>G]AAGGAAAATGGCTCCAGATAGAATAAAGGAGGCAAAGAAGACTTATTTAATACTGTTGCA-3'

ClinVar aggregate classification (germline): Benign (0 of 4 stars; one submission).

Conditions:
CNTN5-related disorder. Also called: CNTN5-related condition.

Allele frequency attached by ClinVar (database versions not stated): ESP Exome Variant Server 0.00017; TOPMed 0.00023; gnomAD exomes 0.00397; gnomAD 0.00713; ExAC 0.01401.
gnomAD v4.1: 524 of 121,554 alleles (0.43%); highest among the groups gnomAD compares: South Asian, 0.34%; no homozygotes.

Submission:

PreventionGenetics, part of Exact Sciences
Classification: Benign for CNTN5-related condition. Last evaluated: 2020-05-21. Review status: no assertion criteria provided. Collection method: clinical testing. Allele origin: germline.
Comment: This variant is classified as benign based on ACMG/AMP sequence variant interpretation guidelines (Richards et al. 2015 PMID: 25741868, with internal and published modifications).